The following is an entry in ClinVar:

NM_001040108.2(MLH3):c.1549C>T (p.His517Tyr)

Gene: MLH3 (mutL homolog 3; minus strand). Cytogenetic location: 14q24.3.
Variant type: single nucleotide variant.
Coding change: c.1549C>T on transcript NM_001040108.2 (MANE Select); coding-DNA position 1549, C replaced by T.
Protein change: p.His517Tyr; replaces histidine 517 with tyrosine.
Molecular consequence: missense variant.
Genome position (GRCh38, 1-based): chr14:75,048,107, G>A on the plus strand (C>T on the coding strand, the complement: MLH3 is on the minus strand). VCF-style: chr14-75048107-G-A. GRCh37 (hg19) VCF-style: chr14-75514810-G-A.
Other names: c.1549C>T, p.His517Tyr (NM_014381.3); short protein forms H517Y.
Identifiers: ClinVar variation 1356306 (VCV001356306.11), dbSNP rs2139580991, ClinGen allele CA390445116.

ClinVar aggregate classification (germline): Uncertain significance. Review status: criteria provided, multiple submitters, no conflicts (2 of 4 stars). 2 submissions from 2 submitters: Uncertain significance (2). Last evaluated 2025-07-13.

Conditions:
Colorectal cancer, hereditary nonpolyposis, type 7. Identifiers: Orphanet 144, MedGen C1858380, MONDO:0013725, OMIM 614385.

Submissions (2):

Ambry Genetics
Classification: Uncertain significance. Last evaluated: 2025-07-13. Review status: criteria provided, single submitter. Criteria: Ambry Variant Classification Scheme 2023. Collection method: clinical testing. Allele origin: germline.
Comment: The p.H517Y variant (also known as c.1549C>T), located in coding exon 1 of the MLH3 gene, results from a C to T substitution at nucleotide position 1549. The histidine at codon 517 is replaced by tyrosine, an amino acid with similar properties. This amino acid position is conserved. In addition, this alteration is predicted to be tolerated by in silico analysis. Since supporting evidence is limited at this time, the clinical significance of this alteration remains unclear.

Labcorp Genetics (formerly Invitae), Labcorp
Classification: Uncertain significance for Colorectal cancer, hereditary nonpolyposis, type 7. Last evaluated: 2021-05-26. Review status: criteria provided, single submitter. Criteria: Invitae Variant Classification Sherloc (09022015). Collection method: clinical testing. Allele origin: germline.
Comment: In summary, the available evidence is currently insufficient to determine the role of this variant in disease. Therefore, it has been classified as a Variant of Uncertain Significance. Algorithms developed to predict the effect of missense changes on protein structure and function output the following: SIFT: "Tolerated"; PolyPhen-2: "Benign"; Align-GVGD: "Class C0". The tyrosine amino acid residue is found in multiple mammalian species, suggesting that this missense change does not adversely affect protein function. These predictions have not been confirmed by published functional studies and their clinical significance is uncertain. This variant has not been reported in the literature in individuals with MLH3-related conditions. This variant is not present in population databases (ExAC no frequency). This sequence change replaces histidine with tyrosine at codon 517 of the MLH3 protein (p.His517Tyr). The histidine residue is weakly conserved and there is a moderate physicochemical difference between histidine and tyrosine.